The following is an entry in ClinVar:

NM_006306.4(SMC1A):c.2727G>T (p.Gln909His)

Gene: SMC1A (structural maintenance of chromosomes 1A; minus strand). Cytogenetic location: Xp11.22.
Variant type: single nucleotide variant.
Coding change: c.2727G>T on transcript NM_006306.4 (MANE Select); coding-DNA position 2727, G replaced by T.
Protein change: p.Gln909His; replaces glutamine 909 with histidine.
Molecular consequence: missense variant.
Genome position (GRCh38, 1-based): chrX:53,396,362, C>A on the plus strand (G>T on the coding strand, the complement: SMC1A is on the minus strand). VCF-style: chrX-53396362-C-A. GRCh37 (hg19) VCF-style: chrX-53423282-C-A.
Other names: c.2661G>T, p.Gln887His (NM_001281463.1); c.2727G>T (NM_006306.2); short protein forms Q887H, Q909H.
Identifiers: ClinVar variation 2717992 (VCV002717992.4), dbSNP rs2520891639, ClinGen allele CA413248330.

ClinVar aggregate classification (germline): Uncertain significance. Review status: criteria provided, multiple submitters, no conflicts (2 of 4 stars). 2 submissions from 2 submitters: Uncertain significance (2). Last evaluated 2023-05-25.

Conditions:
Congenital muscular hypertrophy-cerebral syndrome (CDLS2). Also called: SMC1A-Related Cornelia de Lange Syndrome; Cornelia de Lange syndrome 2. Identifiers: Orphanet 199, MedGen C1802395, MONDO:0010370, OMIM 300590.

Submissions (2):

Labcorp Genetics (formerly Invitae), Labcorp
Classification: Uncertain significance for Congenital muscular hypertrophy-cerebral syndrome. Last evaluated: 2023-05-25. Review status: criteria provided, single submitter. Criteria: Invitae Variant Classification Sherloc (09022015). Collection method: clinical testing. Allele origin: germline.
Comment: Algorithms developed to predict the effect of sequence changes on RNA splicing suggest that this variant may disrupt the consensus splice site. This sequence change replaces glutamine, which is neutral and polar, with histidine, which is basic and polar, at codon 909 of the SMC1A protein (p.Gln909His). This variant is not present in population databases (gnomAD no frequency). This variant has not been reported in the literature in individuals affected with SMC1A-related conditions. Advanced modeling of protein sequence and biophysical properties (such as structural, functional, and spatial information, amino acid conservation, physicochemical variation, residue mobility, and thermodynamic stability) performed at Invitae indicates that this missense variant is not expected to disrupt SMC1A protein function. In summary, the available evidence is currently insufficient to determine the role of this variant in disease. Therefore, it has been classified as a Variant of Uncertain Significance.

GeneDx
Classification: Uncertain significance. Last evaluated: 2023-05-10. Review status: criteria provided, single submitter. Criteria: GeneDx Variant Classification Process June 2021. Collection method: clinical testing. Allele origin: germline. Affected: yes.
Comment: Not observed at significant frequency in large population cohorts (gnomAD); Missense variants in this gene are often considered pathogenic (HGMD); In silico analysis supports that this missense variant has a deleterious effect on protein structure/function; Has not been previously published as pathogenic or benign to our knowledge